The following is an entry in ClinVar:

ClinVar aggregate classification (germline): Uncertain significance. Review status: criteria provided, single submitter (1 of 4 stars). 2 submissions from 2 submitters: Uncertain significance (1). 1 of the submissions does not count toward it. Last evaluated 2022-10-26.

Conditions:
FAM136A-related disorder. Also called: FAM136A-related condition.

Allele frequency attached by ClinVar (database versions not stated): gnomAD exomes 0.00010; ESP Exome Variant Server 0.00015; ExAC 0.00018.
gnomAD v4.1: 176 of 1,612,550 alleles (0.011%); highest among the groups gnomAD compares: Non-Finnish European, 0.00076%; no homozygotes.

Submissions (2):

Ambry Genetics
Classification: Uncertain significance. Last evaluated: 2022-10-26. Review status: criteria provided, single submitter. Criteria: Ambry Variant Classification Scheme 2023. Collection method: clinical testing. Allele origin: germline.

PreventionGenetics, part of Exact Sciences
Classification: Likely benign for FAM136A-related condition. Last evaluated: 2020-05-28. Review status: no assertion criteria provided. Collection method: clinical testing. Allele origin: germline. Not counted in ClinVar's aggregate classification.
Comment: This variant is classified as likely benign based on ACMG/AMP sequence variant interpretation guidelines (Richards et al. 2015 PMID: 25741868, with internal and published modifications).

NM_001329752.2(FAM136A):c.523G>T (p.Val175Phe)

Gene: FAM136A (family with sequence similarity 136 member A; minus strand). Cytogenetic location: 2p13.3.
Variant type: single nucleotide variant.
Coding change: c.523G>T on transcript NM_001329752.2 (MANE Select); coding-DNA position 523, G replaced by T.
Protein change: p.Val175Phe; replaces valine 175 with phenylalanine.
Molecular consequence: missense variant.
Genome position (GRCh38, 1-based): chr2:70,300,866, C>A on the plus strand (G>T on the coding strand, the complement: FAM136A is on the minus strand). VCF-style: chr2-70300866-C-A. GRCh37 (hg19) VCF-style: chr2-70527998-C-A.
Other names: c.457G>T, p.Val153Phe (NM_001329753.2); c.109G>T, p.Val37Phe (NM_001329755.2, NM_001329757.2, NM_001329758.2); c.202G>T, p.Val68Phe (NM_032822.3); short protein forms V153F, V175F, V37F, V68F.
Identifiers: ClinVar variation 2383844 (VCV002383844.4), dbSNP rs142320110, ClinGen allele CA1698482.